The following is an entry in ClinVar:

NM_001242896.3(DEPDC5):c.2632A>C (p.Lys878Gln)

Gene: DEPDC5 (DEP domain containing 5, GATOR1 subcomplex subunit; plus strand). Cytogenetic location: 22q12.3.
Variant type: single nucleotide variant.
Coding change: c.2632A>C on transcript NM_001242896.3 (MANE Select); coding-DNA position 2632, A replaced by C.
Protein change: p.Lys878Gln; replaces lysine 878 with glutamine.
Molecular consequence: missense variant. On other transcripts: non-coding transcript variant (5).
Genome position (GRCh38, 1-based): chr22:31,843,211, A>C. VCF-style: chr22-31843211-A-C. GRCh37 (hg19) VCF-style: chr22-32239197-A-C.
Other names: c.2605A>C, p.Lys869Gln (NM_001136029.4, NM_001369903.1, NM_014662.6); c.2398A>C, p.Lys800Gln (NM_001242897.2, NM_001363854.2, NM_001364319.2); c.2632A>C, p.Lys878Gln (NM_001363852.2, NM_001364318.2, NM_001364320.2); c.2548A>C, p.Lys850Gln (NM_001369901.1, NM_001369902.1); c.2632A>C (NM_001242896.1); short protein forms K800Q, K850Q, K869Q, K878Q.
Identifiers: ClinVar variation 2890113 (VCV002890113.4), dbSNP rs2091504163, ClinGen allele CA411289300.
Genomic context (GRCh38, chr22:31,843,211, plus strand): 5'-AGAACGTTCCACAAAGTGACGCTGAAGGATAAGATGATCACAGTGACGCGATACCTTCCC[A>C]AGTGAGTATTTGGATATTTAAAGTCTTCAGTTATTGTCCTGAATTATGGCCACATACTAA-3'
Protein context (NP_001229825.1, residues 868-888): KMITVTRYLP[Lys878Gln]YPYESAQIHY

ClinVar aggregate classification (germline): Uncertain significance. Review status: criteria provided, multiple submitters, no conflicts (2 of 4 stars). 2 submissions from 2 submitters: Uncertain significance (2). Last evaluated 2026-03-11.

Conditions:
Familial focal epilepsy with variable foci (FPEVF). Identifiers: Orphanet 98820, MedGen C1858477, MONDO:0020310.
Inborn genetic diseases. Identifiers: MedGen C0950123, MeSH D030342.

Allele frequency attached by ClinVar (database versions not stated): gnomAD exomes below 0.00001; TOPMed below 0.00001; gnomAD 0.00001.
gnomAD v4.1: 3 of 1,612,980 alleles (0.00019%); highest among the groups gnomAD compares: Non-Finnish European, 0.00025%; no homozygotes.

Submissions (2):

Ambry Genetics
Classification: Uncertain significance for Inborn genetic diseases. Last evaluated: 2026-03-11. Review status: criteria provided, single submitter. Criteria: Ambry Variant Classification Scheme 2023. Collection method: clinical testing. Allele origin: germline.

Labcorp Genetics (formerly Invitae), Labcorp
Classification: Uncertain significance for Familial focal epilepsy with variable foci. Last evaluated: 2024-03-23. Review status: criteria provided, single submitter. Criteria: Invitae Variant Classification Sherloc (09022015). Collection method: clinical testing. Allele origin: germline.
Comment: This sequence change replaces lysine, which is basic and polar, with glutamine, which is neutral and polar, at codon 878 of the DEPDC5 protein (p.Lys878Gln). This variant is not present in population databases (gnomAD no frequency). This variant has not been reported in the literature in individuals affected with DEPDC5-related conditions. Experimental studies and prediction algorithms are not available or were not evaluated, and the functional significance of this variant is currently unknown. In summary, the available evidence is currently insufficient to determine the role of this variant in disease. Therefore, it has been classified as a Variant of Uncertain Significance.